The following is an entry in ClinVar:

ClinVar aggregate classification (germline): Uncertain significance. Review status: criteria provided, single submitter (1 of 4 stars). 2 submissions from 2 submitters: Uncertain significance (1). 1 of the submissions does not count toward it. Last evaluated 2023-09-13.

Conditions:
Intellectual disability. Also called: intellectual disabilities; Intellectual developmental disorder; Intellectual functioning disability. Identifiers: MedGen C3714756, MeSH D008607, MONDO:0001071, HP:0001249.
Glutamate formiminotransferase deficiency. Also called: Arakawa syndrome 1; Formiminoglutamic aciduria. Identifiers: Orphanet 51208, MedGen C0268609, MONDO:0009240, OMIM 229100.

Allele frequency attached by ClinVar (database versions not stated): gnomAD 0.00003 and 0.00002; TOPMed 0.00001.
gnomAD v4.1: 17 of 1,612,764 alleles (0.0011%); highest among the groups gnomAD compares: Admixed American, 0.0017%; no homozygotes.

Submissions (2):

Labcorp Genetics (formerly Invitae), Labcorp
Classification: Uncertain significance for Glutamate formiminotransferase deficiency. Last evaluated: 2023-09-13. Review status: criteria provided, single submitter. Criteria: Invitae Variant Classification Sherloc (09022015). Collection method: clinical testing. Allele origin: germline.
Comment: In summary, the available evidence is currently insufficient to determine the role of this variant in disease. Therefore, it has been classified as a Variant of Uncertain Significance. Advanced modeling of protein sequence and biophysical properties (such as structural, functional, and spatial information, amino acid conservation, physicochemical variation, residue mobility, and thermodynamic stability) has been performed at Invitae for this missense variant, however the output from this modeling did not meet the statistical confidence thresholds required to predict the impact of this variant on FTCD protein function. ClinVar contains an entry for this variant (Variation ID: 975236). This variant has not been reported in the literature in individuals affected with FTCD-related conditions. This variant is present in population databases (rs749659966, gnomAD 0.003%). This sequence change replaces valine, which is neutral and non-polar, with methionine, which is neutral and non-polar, at codon 58 of the FTCD protein (p.Val58Met).

Centre de Biologie Pathologie Génétique, Centre Hospitalier Universitaire de Lille
Classification: Likely benign for Intellectual disability. Last evaluated: 2019-01-01. Review status: no assertion criteria provided. Collection method: clinical testing. Allele origin: inherited. Affected: yes. Not counted in ClinVar's aggregate classification.

NM_206965.2(FTCD):c.172G>A (p.Val58Met)

Gene: FTCD (formimidoyltransferase cyclodeaminase; minus strand). Cytogenetic location: 21q22.3.
Variant type: single nucleotide variant.
Coding change: c.172G>A on transcript NM_206965.2 (MANE Select); coding-DNA position 172, G replaced by A.
Protein change: p.Val58Met; replaces valine 58 with methionine.
Molecular consequence: missense variant.
Genome position (GRCh38, 1-based): chr21:46,154,215, C>T on the plus strand (G>A on the coding strand, the complement: FTCD is on the minus strand). VCF-style: chr21-46154215-C-T. GRCh37 (hg19) VCF-style: chr21-47574129-C-T.
Other names: c.172G>A, p.Val58Met (NM_001320412.2, NM_006657.3); short protein forms V58M.
Identifiers: ClinVar variation 975236 (VCV000975236.9), dbSNP rs749659966, ClinGen allele CA10074033.